The following is an entry in ClinVar:

ClinVar aggregate classification (germline): Pathogenic (1 of 4 stars; one submission).

Submission:

Labcorp Genetics (formerly Invitae), Labcorp
Classification: Pathogenic. Last evaluated: 2023-02-16. Review status: criteria provided, single submitter. Criteria: Invitae Variant Classification Sherloc (09022015). Collection method: clinical testing. Allele origin: germline.
Comment: Experimental studies have shown that this premature translational stop signal affects FOXL2 function (PMID: 33796131). Algorithms developed to predict the effect of variants on protein structure and function are not available or were not evaluated for this variant. This premature translational stop signal has been observed in individual(s) with blepharophimosis, ptosis, and epicanthus inversus syndrome (BPES) (PMID: 33796131). This variant is not present in population databases (gnomAD no frequency). This sequence change creates a premature translational stop signal (p.Ser254*) in the FOXL2 gene. While this is not anticipated to result in nonsense mediated decay, it is expected to disrupt the last 123 amino acid(s) of the FOXL2 protein. For these reasons, this variant has been classified as Pathogenic. This variant disrupts a region of the FOXL2 protein in which other variant(s) (p.Pro307Hisfs*52) have been determined to be pathogenic (PMID: 11468277). This suggests that this is a clinically significant region of the protein, and that variants that disrupt it are likely to be disease-causing.

Literature cited by the submitters: PubMed 33796131; PubMed 11468277.

NM_023067.4(FOXL2):c.761C>A (p.Ser254Ter)

Gene: FOXL2 (forkhead box L2; minus strand). Cytogenetic location: 3q22.3.
Variant type: single nucleotide variant.
Coding change: c.761C>A on transcript NM_023067.4 (MANE Select); coding-DNA position 761, C replaced by A.
Protein change: p.Ser254Ter; replaces serine 254 with a stop codon.
Molecular consequence: nonsense.
Genome position (GRCh38, 1-based): chr3:138,945,962, G>T on the plus strand (C>A on the coding strand, the complement: FOXL2 is on the minus strand). VCF-style: chr3-138945962-G-T. GRCh37 (hg19) VCF-style: chr3-138664804-G-T.
Other names: short protein forms S254*.
Identifiers: ClinVar variation 2780030 (VCV002780030.3), dbSNP rs2473812512, ClinGen allele CA354703783.